The following is an entry in ClinVar:

ClinVar aggregate classification (germline): Pathogenic (1 of 4 stars; one submission).

Submission:

GeneDx
Classification: Pathogenic. Last evaluated: 2025-05-27. Review status: criteria provided, single submitter. Criteria: GeneDx Variant Classification Process June 2021. Collection method: clinical testing. Allele origin: germline. Affected: yes.
Comment: Frameshift variant predicted to result in protein truncation or nonsense mediated decay in a gene for which loss of function is a known mechanism of disease; Not observed at significant frequency in large population cohorts (gnomAD); Has not been previously published as pathogenic or benign to our knowledge

NM_001127222.2(CACNA1A):c.5520del (p.Ala1841fs)

Gene: CACNA1A (calcium voltage-gated channel subunit alpha1 A; minus strand). Cytogenetic location: 19p13.13.
Variant type: Deletion.
Coding change: c.5520del on transcript NM_001127222.2 (MANE Select); coding-DNA position 5520, one base deleted (C; older notation c.5520delC).
Protein change: p.Ala1841fs; shifts the reading frame from alanine 1841.
Molecular consequence: frameshift variant.
Genome position (GRCh38, 1-based): chr19:13,230,090, G deleted on the plus strand (C on the coding strand, the reverse complement: CACNA1A is on the minus strand); the first of 4 consecutive G bases (chr19:13,230,090-13,230,093); deleting any one gives the same sequence. VCF-style (leftmost placement, unchanged base first): chr19-13230089-CG-C. GRCh37 (hg19) VCF-style: chr19-13340903-CG-C.
Other names: c.5538del, p.Ala1847fs (NM_023035.3, NM_000068.4); c.5520delC, p.Ala1842Glnfs (NM_001127221.1); c.5523del, p.Ala1842fs (NM_001127221.2); c.5529del, p.Ala1844fs (NM_001174080.2); short protein forms A1841fs, A1842fs, A1844fs, A1847fs.
Identifiers: ClinVar variation 4532512 (VCV004532512.1).